The following is an entry in ClinVar:

NM_000092.5(COL4A4):c.735+4A>G

Gene: COL4A4 (collagen type IV alpha 4 chain; minus strand). Cytogenetic location: 2q36.3.
Variant type: single nucleotide variant.
Coding change: c.735+4A>G on transcript NM_000092.5 (MANE Select); 4 bases into the intron after coding-DNA position 735, A replaced by G.
Molecular consequence: intron variant.
Genome position (GRCh38, 1-based): chr2:227,108,577, T>C on the plus strand (A>G on the coding strand, the complement: COL4A4 is on the minus strand). VCF-style: chr2-227108577-T-C. GRCh37 (hg19) VCF-style: chr2-227973293-T-C.
Identifiers: ClinVar variation 2019304 (VCV002019304.4), dbSNP rs2475772028, ClinGen allele CA2580065836.

ClinVar aggregate classification (germline): Uncertain significance (1 of 4 stars; one submission).

Submission:

Labcorp Genetics (formerly Invitae), Labcorp
Classification: Uncertain significance. Last evaluated: 2022-07-23. Review status: criteria provided, single submitter. Criteria: Invitae Variant Classification Sherloc (09022015). Collection method: clinical testing. Allele origin: germline.
Comment: In summary, the available evidence is currently insufficient to determine the role of this variant in disease. Therefore, it has been classified as a Variant of Uncertain Significance. Variants that disrupt the consensus splice site are a relatively common cause of aberrant splicing (PMID: 17576681, 9536098). Algorithms developed to predict the effect of sequence changes on RNA splicing suggest that this variant may disrupt the consensus splice site. This variant has not been reported in the literature in individuals affected with COL4A4-related conditions. This variant is not present in population databases (gnomAD no frequency). This sequence change falls in intron 12 of the COL4A4 gene. It does not directly change the encoded amino acid sequence of the COL4A4 protein. It affects a nucleotide within the consensus splice site.

Literature cited by the submitters: PubMed 17576681; PubMed 9536098.